The following is an entry in ClinVar:

NM_025103.4(IFT74):c.1207-3C>T

Gene: IFT74 (intraflagellar transport 74; plus strand). Cytogenetic location: 9p21.2.
Variant type: single nucleotide variant.
Coding change: c.1207-3C>T on transcript NM_025103.4 (MANE Select); 3 bases into the intron before coding-DNA position 1207, C replaced by T.
Molecular consequence: intron variant.
Genome position (GRCh38, 1-based): chr9:27,048,145, C>T. VCF-style: chr9-27048145-C-T. GRCh37 (hg19) VCF-style: chr9-27048143-C-T.
Other names: c.1207-3C>T (NM_001099223.3, NM_001099222.3, NM_001349928.2).
Identifiers: ClinVar variation 1991803 (VCV001991803.2), dbSNP rs1031267708, ClinGen allele CA191348548.

ClinVar aggregate classification (germline): Uncertain significance (1 of 4 stars; one submission).

Allele frequency attached by ClinVar (database versions not stated): gnomAD exomes below 0.00001; gnomAD 0.00003; TOPMed 0.00003.
gnomAD v4.1: 8 of 1,550,614 alleles (0.00052%); highest among the groups gnomAD compares: African/African-American, 0.011%; no homozygotes.

Submission:

Labcorp Genetics (formerly Invitae), Labcorp
Classification: Uncertain significance. Last evaluated: 2022-07-12. Review status: criteria provided, single submitter. Criteria: Invitae Variant Classification Sherloc (09022015). Collection method: clinical testing. Allele origin: germline.
Comment: In summary, the available evidence is currently insufficient to determine the role of this variant in disease. Therefore, it has been classified as a Variant of Uncertain Significance. Variants that disrupt the consensus splice site are a relatively common cause of aberrant splicing (PMID: 17576681, 9536098). Algorithms developed to predict the effect of sequence changes on RNA splicing suggest that this variant is not likely to affect RNA splicing. This variant has not been reported in the literature in individuals affected with IFT74-related conditions. This variant is present in population databases (no rsID available, gnomAD 0.007%). This sequence change falls in intron 15 of the IFT74 gene. It does not directly change the encoded amino acid sequence of the IFT74 protein. It affects a nucleotide within the consensus splice site.

Literature cited by the submitters: PubMed 17576681; PubMed 9536098.